The following is an entry in ClinVar:

NM_014370.4(SRPK3):c.1117C>T (p.Arg373Ter)

Gene: SRPK3 (SRSF protein kinase 3; plus strand). Cytogenetic location: Xq28.
Variant type: single nucleotide variant.
Coding change: c.1117C>T on transcript NM_014370.4 (MANE Select); coding-DNA position 1117, C replaced by T.
Protein change: p.Arg373Ter; replaces arginine 373 with a stop codon.
Molecular consequence: nonsense.
Genome position (GRCh38, 1-based): chrX:153,784,183, C>T. VCF-style: chrX-153784183-C-T. GRCh37 (hg19) VCF-style: chrX-153049638-C-T.
Other names: c.1114C>T, p.Arg372Ter (NM_001170760.2); c.1015C>T, p.Arg339Ter (NM_001170761.2); short protein forms R339*, R372*, R373*.
Identifiers: ClinVar variation 4537995 (VCV004537995.1).

ClinVar aggregate classification (germline): Uncertain significance (1 of 4 stars; one submission).

Submission:

GeneDx
Classification: Uncertain significance. Last evaluated: 2025-06-09. Review status: criteria provided, single submitter. Criteria: GeneDx Variant Classification Process June 2021. Collection method: clinical testing. Allele origin: germline. Affected: yes.
Comment: Nonsense variant predicted to result in protein truncation or nonsense mediated decay in a gene for which loss of function is a known mechanism of disease; Has not been previously published as pathogenic or benign to our knowledge; This variant is associated with the following publications: (PMID: 38429495)